The following is an entry in ClinVar:

ClinVar aggregate classification (germline): Likely benign (1 of 4 stars; one submission).

Submission:

GeneDx
Classification: Likely benign. Last evaluated: 2017-09-18. Review status: criteria provided, single submitter. Criteria: GeneDx Variant Classification (06012015). Collection method: clinical testing. Allele origin: germline. Affected: yes.
Comment: This variant is considered likely benign or benign based on one or more of the following criteria: it is a conservative change, it occurs at a poorly conserved position in the protein, it is predicted to be benign by multiple in silico algorithms, and/or has population frequency not consistent with disease.

NM_006371.5(CRTAP):c.-39C>G

Genes: CRTAP (cartilage associated protein; plus strand), LOC129936436 (ATAC-STARR-seq lymphoblastoid silent region 14183; plus strand). Cytogenetic location: 3p22.3.
Variant type: single nucleotide variant.
Coding change: c.-39C>G on transcript NM_006371.5 (MANE Select); 39 bases upstream of the start codon, C replaced by G.
Molecular consequence: 5 prime UTR variant.
Genome position (GRCh38, 1-based): chr3:33,114,039, C>G. VCF-style: chr3-33114039-C-G. GRCh37 (hg19) VCF-style: chr3-33155531-C-G.
Other names: c.-39C>G (NM_001393363.1, NM_001393364.1, NM_001393365.1).
Identifiers: ClinVar variation 512129 (VCV000512129.1), dbSNP rs1553616449, ClinGen allele CA658796271.